The following is an entry in ClinVar:

ClinVar aggregate classification (germline): Benign/Likely benign. Review status: criteria provided, multiple submitters, no conflicts (2 of 4 stars). 6 submissions from 6 submitters: Benign (1); Likely benign (4). 1 of the submissions does not count toward it. Last evaluated 2025-01-23.

Conditions:
MEN1-related disorder. Also called: MEN1-related condition.
Hereditary cancer-predisposing syndrome. Also called: Tumor predisposition; Hereditary neoplastic syndrome; Neoplastic Syndromes, Hereditary; Hereditary Cancer Syndrome. Identifiers: Orphanet 140162, MedGen C0027672, MeSH D009386, MONDO:0015356.
Multiple endocrine neoplasia, type 1 (MEN1). Also called: MEN I; WERMER SYNDROME; Endocrine adenomatosis multiple; MEN 1; MEA I. Identifiers: Orphanet 652, MedGen C0025267, MeSH D018761, MONDO:0007540, OMIM 131100.

Allele frequency attached by ClinVar (database versions not stated): gnomAD exomes below 0.00001 and 0.00001; ExAC 0.00001; gnomAD 0.00001 and 0.00002; TOPMed 0.00002; 1000 Genomes Project 30x 0.00016; 1000 Genomes Project 0.00020.

Submissions (6):

Labcorp Genetics (formerly Invitae), Labcorp
Classification: Likely benign for Multiple endocrine neoplasia, type 1. Last evaluated: 2025-01-23. Review status: criteria provided, single submitter. Criteria: Invitae Variant Classification Sherloc (09022015). Collection method: clinical testing. Allele origin: germline.

Myriad Genetics, Inc.
Classification: Benign for Multiple endocrine neoplasia, type 1. Last evaluated: 2024-11-01. Review status: criteria provided, single submitter. Criteria: Myriad Autosomal Dominant, Autosomal Recessive and X-Linked Classification Criteria (2023). Collection method: clinical testing. Allele origin: unknown.
Comment: This variant is considered benign. This variant is a silent/synonymous amino acid change and it is not expected to impact splicing.

All of Us Research Program, National Institutes of Health
Classification: Likely benign for Multiple endocrine neoplasia, type 1. Last evaluated: 2023-12-13. Review status: criteria provided, single submitter. Criteria: ACMG Guidelines, 2015. Collection method: clinical testing. Allele origin: germline. Inheritance: Autosomal dominant inheritance. Observed: 3 variant alleles, 3 heterozygotes.
Comment: This study involves interpretation of variants in research participants for the purpose of population health screening. Participant phenotype was not available at the time of variant classification. Additional details can be found in publication PMID: 35346344, PMCID: PMC8962531

Color Diagnostics, LLC DBA Color Health
Classification: Likely benign for Multiple endocrine neoplasia, type 1. Last evaluated: 2022-11-06. Review status: criteria provided, single submitter. Criteria: ACMG Guidelines, 2015. Collection method: clinical testing. Allele origin: germline.

Ambry Genetics
Classification: Likely benign for Hereditary cancer-predisposing syndrome. Last evaluated: 2019-08-02. Review status: criteria provided, single submitter. Criteria: Ambry Variant Classification Scheme 2023. Collection method: clinical testing. Allele origin: germline.

PreventionGenetics, part of Exact Sciences
Classification: Likely benign for MEN1-related condition. Last evaluated: 2024-03-18. Review status: no assertion criteria provided. Collection method: clinical testing. Allele origin: germline. Not counted in ClinVar's aggregate classification.
Comment: This variant is classified as likely benign based on ACMG/AMP sequence variant interpretation guidelines (Richards et al. 2015 PMID: 25741868, with internal and published modifications).

NM_001370259.2(MEN1):c.513G>C (p.Arg171=)

Gene: MEN1 (menin 1; minus strand). Cytogenetic location: 11q13.1.
Variant type: single nucleotide variant.
Coding change: c.513G>C on transcript NM_001370259.2 (MANE Select); coding-DNA position 513, G replaced by C.
Protein change: p.Arg171=; no amino-acid change (arginine 171 retained).
Molecular consequence: synonymous variant.
Genome position (GRCh38, 1-based): chr11:64,808,032, C>G on the plus strand (G>C on the coding strand, the complement: MEN1 is on the minus strand). VCF-style: chr11-64808032-C-G. GRCh37 (hg19) VCF-style: chr11-64575504-C-G.
Other names: c.528G>C (NM_000244.3); c.528G>C, p.Arg176= (NM_000244.4, NM_130800.3, NM_130801.3 and 3 more transcripts); c.513G>C, p.Arg171= (NM_001370251.2, NM_001370260.2, NM_001370261.2 and 3 more transcripts).
Identifiers: ClinVar variation 219613 (VCV000219613.19), dbSNP rs560870111, ClinGen allele CA061255.